The following is an entry in ClinVar:

NM_001253697.2(ERBIN):c.2939A>G (p.Gln980Arg)

Gene: ERBIN (erbb2 interacting protein; plus strand). Cytogenetic location: 5q12.3.
Variant type: single nucleotide variant.
Coding change: c.2939A>G on transcript NM_001253697.2 (MANE Select); coding-DNA position 2939, A replaced by G.
Protein change: p.Gln980Arg; replaces glutamine 980 with arginine.
Molecular consequence: missense variant.
Genome position (GRCh38, 1-based): chr5:66,054,257, A>G. VCF-style: chr5-66054257-A-G. GRCh37 (hg19) VCF-style: chr5-65350085-A-G.
Other names: c.2939A>G, p.Gln980Arg (NM_001006600.3, NM_001253698.2, NM_001253699.2 and 1 more transcripts); c.2927A>G, p.Gln976Arg (NM_001253701.2); short protein forms Q976R, Q980R.
Identifiers: ClinVar variation 2861764 (VCV002861764.3), dbSNP rs2546813895, ClinGen allele CA359868260.

ClinVar aggregate classification (germline): Uncertain significance (1 of 4 stars; one submission).

gnomAD v4.1: 1 of 1,614,088 alleles (0.000062%); highest among the groups gnomAD compares: Non-Finnish European, 0.000085%; no homozygotes.

Submission:

Labcorp Genetics (formerly Invitae), Labcorp
Classification: Uncertain significance. Last evaluated: 2023-12-15. Review status: criteria provided, single submitter. Criteria: Invitae Variant Classification Sherloc (09022015). Collection method: clinical testing. Allele origin: germline.
Comment: This sequence change replaces glutamine, which is neutral and polar, with arginine, which is basic and polar, at codon 980 of the ERBIN protein (p.Gln980Arg). This variant is not present in population databases (gnomAD no frequency). This variant has not been reported in the literature in individuals affected with ERBIN-related conditions. An algorithm developed to predict the effect of missense changes on protein structure and function (PolyPhen-2) suggests that this variant is likely to be disruptive. In summary, the available evidence is currently insufficient to determine the role of this variant in disease. Therefore, it has been classified as a Variant of Uncertain Significance.